The following is an entry in ClinVar:

ClinVar aggregate classification (germline): Likely pathogenic (1 of 4 stars; one submission).

Conditions:
Transcobalamin II deficiency (TCN2D). Also called: TC II DEFICIENCY; TCN2 DEFICIENCY; Transcolabamin II deficiency. Identifiers: Orphanet 859, MedGen C0342701, MONDO:0010149, OMIM 275350.

Submission:

Clinical Research Development Center, Iran University of Medical Sciences (IUMS)
Classification: Likely pathogenic for Transcobalamin II deficiency. Last evaluated: 2026-07-08. Review status: criteria provided, single submitter. Criteria: ACMG Guidelines, 2015. Collection method: clinical testing. Allele origin: germline. Inheritance: Autosomal recessive inheritance. Affected: yes. Observed: 1 variant allele, 1 homozygote.
Comment: The c.940+1G>A variant in TCN2 gene was absent from large population studies (PM2). Furthermore, it is a null variant in a gene where loss of function is a known mechanism of disease; so, it results in an absent or disrupted protein product (PVS1).

Literature cited by the submitters: PubMed 36035190.

NM_000355.4(TCN2):c.940+1G>A

Gene: TCN2 (transcobalamin 2; plus strand). Cytogenetic location: 22q12.2.
Variant type: single nucleotide variant.
Coding change: c.940+1G>A on transcript NM_000355.4 (MANE Select); the canonical splice donor site of the intron after coding-DNA position 940, G replaced by A.
Molecular consequence: splice donor variant.
Genome position (GRCh38, 1-based): chr22:30,615,788, G>A. VCF-style: chr22-30615788-G-A. GRCh37 (hg19) VCF-style: chr22-31011775-G-A.
Other names: c.859+1G>A (NM_001184726.2).
Identifiers: ClinVar variation 4857531 (VCV004857531.1).